The following is an entry in ClinVar:

NM_007325.5(GRIA3):c.123G>A (p.Met41Ile)

Gene: GRIA3 (glutamate ionotropic receptor AMPA type subunit 3; plus strand). Cytogenetic location: Xq25.
Variant type: single nucleotide variant.
Coding change: c.123G>A on transcript NM_007325.5 (MANE Select); coding-DNA position 123, G replaced by A.
Protein change: p.Met41Ile; replaces methionine 41 with isoleucine.
Molecular consequence: missense variant.
Genome position (GRCh38, 1-based): chrX:123,185,845, G>A. VCF-style: chrX-123185845-G-A. GRCh37 (hg19) VCF-style: chrX-122319697-G-A.
Other names: c.123G>A, p.Met41Ile (NM_000828.5, NM_001256743.2); short protein forms M41I.
Identifiers: ClinVar variation 2959440 (VCV002959440.4), dbSNP rs2147244054, ClinGen allele CA414255087.

ClinVar aggregate classification (germline): Conflicting classifications of pathogenicity. Review status: criteria provided, conflicting classifications (1 of 4 stars). 2 submissions from 2 submitters: Uncertain significance (1); Likely benign (1). Last evaluated 2024-11-04.

Conditions:
Syndromic X-linked intellectual disability 94 (MRXSW). Also called: MENTAL RETARDATION, X-LINKED, SYNDROMIC 29; X-linked intellectual disability due to GRIA3 anomalies. Identifiers: Orphanet 364028, MedGen C2678051, MONDO:0010402, OMIM 300699.

Submissions (2):

Labcorp Genetics (formerly Invitae), Labcorp
Classification: Uncertain significance. Last evaluated: 2024-11-04. Review status: criteria provided, single submitter. Criteria: Invitae Variant Classification Sherloc (09022015). Collection method: clinical testing. Allele origin: germline.
Comment: This sequence change replaces methionine, which is neutral and non-polar, with isoleucine, which is neutral and non-polar, at codon 41 of the GRIA3 protein (p.Met41Ile). This variant is not present in population databases (gnomAD no frequency). This variant has not been reported in the literature in individuals affected with GRIA3-related conditions. ClinVar contains an entry for this variant (Variation ID: 2959440). An algorithm developed to predict the effect of missense changes on protein structure and function (PolyPhen-2) suggests that this variant is likely to be tolerated. In summary, the available evidence is currently insufficient to determine the role of this variant in disease. Therefore, it has been classified as a Variant of Uncertain Significance.

3billion
Classification: Likely benign for Syndromic X-linked intellectual disability 94. Last evaluated: 2024-09-20. Review status: criteria provided, single submitter. Criteria: ACMG Guidelines, 2015. Collection method: clinical testing. Allele origin: germline. Affected: no.
Comment: The hemizygous variant was found in patients diagnosed with another variant in a different gene, with no symptoms related to the gene containing the hemizygous variant.